The following is an entry in ClinVar:

NM_004370.6(COL12A1):c.9182-3C>T

Gene: COL12A1 (collagen type XII alpha 1 chain; minus strand). Cytogenetic location: 6q13.
Variant type: single nucleotide variant.
Coding change: c.9182-3C>T on transcript NM_004370.6 (MANE Select); 3 bases into the intron before coding-DNA position 9182, C replaced by T.
Molecular consequence: intron variant.
Genome position (GRCh38, 1-based): chr6:75,086,560, G>A on the plus strand (C>T on the coding strand, the complement: COL12A1 is on the minus strand). VCF-style: chr6-75086560-G-A. GRCh37 (hg19) VCF-style: chr6-75796276-G-A.
Other names: c.5689+1017C>T (NM_001424116.1); c.5690-3C>T (NM_080645.3); c.8909-3C>T (NM_001424115.1); c.9161-3C>T (NM_001424114.1); c.9181+1017C>T (NM_001424113.1).
Identifiers: ClinVar variation 4792991 (VCV004792991.1).

ClinVar aggregate classification (germline): Uncertain significance (1 of 4 stars; one submission).

Conditions:
Ullrich congenital muscular dystrophy 2 (UCMD2). Identifiers: Orphanet 75840, MedGen C4225314, MONDO:0014654, OMIM 616470.
Bethlem myopathy 2 (BTHLM2). Identifiers: Orphanet 536516, Orphanet 610, MedGen C4225313, MONDO:0034022, OMIM 616471.

gnomAD v4.1: 1 of 1,603,824 alleles (0.000062%); highest among the groups gnomAD compares: Non-Finnish European, 0.000085%; no homozygotes.

Submission:

Labcorp Genetics (formerly Invitae), Labcorp
Classification: Uncertain significance for Bethlem myopathy 2; Ullrich congenital muscular dystrophy 2. Last evaluated: 2025-12-21. Review status: criteria provided, single submitter. Criteria: Invitae Variant Classification Sherloc (09022015). Collection method: clinical testing. Allele origin: germline.
Comment: This sequence change falls in intron 65 of the COL12A1 gene. It does not directly change the encoded amino acid sequence of the COL12A1 protein. It affects a nucleotide within the consensus splice site. This variant is not present in population databases (gnomAD no frequency). This variant has not been reported in the literature in individuals affected with COL12A1-related conditions. Variants that disrupt the consensus splice site are a relatively common cause of aberrant splicing (PMID: 17576681, 9536098). Algorithms developed to predict the effect of sequence changes on RNA splicing suggest that this variant is not likely to affect RNA splicing. In summary, the available evidence is currently insufficient to determine the role of this variant in disease. Therefore, it has been classified as a Variant of Uncertain Significance.

Literature cited by the submitters: PubMed 17576681; PubMed 9536098.